The following is an entry in ClinVar:

NM_001267550.2(TTN):c.11311+1910C>G

Gene: TTN (titin; minus strand). Cytogenetic location: 2q31.2.
Variant type: single nucleotide variant.
Coding change: c.11311+1910C>G on transcript NM_001267550.2 (MANE Select); 1910 bases into the intron after coding-DNA position 11311, C replaced by G.
Molecular consequence: intron variant. On other transcripts: nonsense (1).
Genome position (GRCh38, 1-based): chr2:178,751,214, G>C on the plus strand (C>G on the coding strand, the complement: TTN is on the minus strand). VCF-style: chr2-178751214-G-C. GRCh37 (hg19) VCF-style: chr2-179615941-G-C.
Other names: c.11186C>G, p.Ser3729Ter (NM_133379.5); c.10222+1910C>G (NM_003319.4); c.10798+1910C>G (NM_133437.4); c.10597+1910C>G (NM_133432.3); c.10360+1910C>G (NM_133378.4, NM_001256850.1); short protein forms S3729*.
Identifiers: ClinVar variation 2628647 (VCV002628647.1), dbSNP rs1319292886, ClinGen allele CA349665128.

ClinVar aggregate classification (germline): Uncertain significance (1 of 4 stars; one submission).

Conditions:
TTN-related disorder. Also called: TTN-related condition; TTN-related disease; TTN-related disorders.

Allele frequency attached by ClinVar (database versions not stated): gnomAD exomes below 0.00001.
gnomAD v4.1: 5 of 1,609,816 alleles (0.00031%); highest among the groups gnomAD compares: Non-Finnish European, 0.00042%; no homozygotes.

Submission:

PreventionGenetics, part of Exact Sciences
Classification: Uncertain significance for TTN-related condition. Last evaluated: 2023-05-01. Review status: criteria provided, single submitter. Criteria: ACMG Guidelines, 2015. Collection method: clinical testing. Allele origin: germline.
Comment: The TTN c.11186C>G variant is predicted to result in premature protein termination (p.Ser3729*). This variant has been reported as a modifier of hypertrophic cardiomyopathy (reported as c.C11186G in Table S2 - Zhang et al. 2017. PubMed ID: 28822653). This variant has not been reported in a large population database, indicating this variant is rare. This variant is located in exon 46 of the Novex-3 transcript (minor small cardiac isoform) which is the last exon of this transcript. This exon is not included in any other TTN transcripts (principle cardiac or skeletal muscle isoforms) and would be referred to as c.11311+1910C>G with NM_001267550.2. Several TTN truncating variants in this exon have been reported in presumably healthy control individuals and to our knowledge no loss of function variants in this exon have been reported in congenital titinopathy cases (Roberts et al. 2015. PMID: 25589632). At this time, the clinical significance of this variant is uncertain due to the absence of conclusive functional and genetic evidence.